The following is an entry in ClinVar:

NM_006180.6(NTRK2):c.2331+8A>G

Gene: NTRK2 (neurotrophic receptor tyrosine kinase 2; plus strand). Cytogenetic location: 9q21.33.
Variant type: single nucleotide variant.
Coding change: c.2331+8A>G on transcript NM_006180.6 (MANE Select); 8 bases into the intron after coding-DNA position 2331, A replaced by G.
Molecular consequence: intron variant.
Genome position (GRCh38, 1-based): chr9:85,020,372, A>G. VCF-style: chr9-85020372-A-G. GRCh37 (hg19) VCF-style: chr9-87635287-A-G.
Other names: c.2283+8A>G (NM_001369532.1, NM_001369533.1, NM_001018064.3); c.2247+8A>G (NM_001369534.1); c.1863+8A>G (NM_001369536.1); c.1815+8A>G (NM_001369535.1).
Identifiers: ClinVar variation 1337233 (VCV001337233.13), dbSNP rs376032963, ClinGen allele CA5105971.

ClinVar aggregate classification (germline): Likely benign. Review status: criteria provided, multiple submitters, no conflicts (2 of 4 stars). 3 submissions from 3 submitters: Likely benign (3). Last evaluated 2026-06-01.

Allele frequency attached by ClinVar (database versions not stated): gnomAD exomes 0.00001 and below 0.00001; TOPMed 0.00003; gnomAD 0.00004 and 0.00005; ESP Exome Variant Server 0.00008; ExAC 0.00001.
gnomAD v4.1: 12 of 1,613,988 alleles (0.00074%); highest among the groups gnomAD compares: African/African-American, 0.011%; no homozygotes.

Submissions (3):

CeGaT Center for Human Genetics Tuebingen
Classification: Likely benign. Last evaluated: 2026-06-01. Review status: criteria provided, single submitter. Criteria: CeGaT Center For Human Genetics Tuebingen Variant Classification Criteria Version 2. Collection method: clinical testing. Allele origin: germline. Affected: yes. Observed: 1 variant allele.
Comment: NTRK2: BP4

Labcorp Genetics (formerly Invitae), Labcorp
Classification: Likely benign. Last evaluated: 2025-03-16. Review status: criteria provided, single submitter. Criteria: Invitae Variant Classification Sherloc (09022015). Collection method: clinical testing. Allele origin: germline.

Genetic Services Laboratory, University of Chicago
Classification: Likely benign. Last evaluated: 2019-06-14. Review status: criteria provided, single submitter. Criteria: ACMG Guidelines, 2015. Collection method: clinical testing. Allele origin: germline. Affected: no.